The following is an entry in ClinVar:

NM_001082971.2(DDC):c.1179C>T (p.Arg393=)

Gene: DDC (dopa decarboxylase; minus strand). Cytogenetic location: 7p12.2.
Variant type: single nucleotide variant.
Coding change: c.1179C>T on transcript NM_001082971.2 (MANE Select); coding-DNA position 1179, C replaced by T.
Protein change: p.Arg393=; no amino-acid change (arginine 393 retained).
Molecular consequence: synonymous variant.
Genome position (GRCh38, 1-based): chr7:50,467,277, G>A on the plus strand (C>T on the coding strand, the complement: DDC is on the minus strand). VCF-style: chr7-50467277-G-A. GRCh37 (hg19) VCF-style: chr7-50534975-G-A.
Other names: p.Arg393=; c.1179C>T, p.Arg393= (NM_000790.4); c.1065C>T, p.Arg355= (NM_001242886.2); c.1035C>T, p.Arg345= (NM_001242887.2); c.945C>T, p.Arg315= (NM_001242888.2); c.900C>T, p.Arg300= (NM_001242889.2).
Identifiers: ClinVar variation 2173320 (VCV002173320.5), dbSNP rs185356649, ClinGen allele CA4262034.

ClinVar aggregate classification (germline): Likely benign. Review status: criteria provided, multiple submitters, no conflicts (2 of 4 stars). 2 submissions from 2 submitters: Likely benign (2). Last evaluated 2025-04-29.

Conditions:
Deficiency of aromatic-L-amino-acid decarboxylase. Also called: DDC DEFICIENCY; DOPA DECARBOXYLASE DEFICIENCY; AADC DEFICIENCY; Aromatic L-Amino Acid Decarboxylase Deficiency; Aromatic amino acid decarboxylase deficiency. Identifiers: Orphanet 35708, MedGen C1291564, MONDO:0012084, OMIM 608643.

Allele frequency attached by ClinVar (database versions not stated): gnomAD exomes 0.00001; ExAC 0.00003; gnomAD 0.00004; TOPMed 0.00005; 1000 Genomes Project 30x 0.00047; 1000 Genomes Project 0.00060.
gnomAD v4.1: 12 of 1,614,208 alleles (0.00074%); highest among the groups gnomAD compares: East Asian, 0.022%; no homozygotes.

Submissions (2):

Mayo Clinic Laboratories, Mayo Clinic
Classification: Likely benign. Last evaluated: 2025-04-29. Review status: criteria provided, single submitter. Criteria: ACMG Guidelines, 2015. Collection method: clinical testing. Allele origin: germline. Observed: 1 variant allele.
Comment: BP4, BP7

Labcorp Genetics (formerly Invitae), Labcorp
Classification: Likely benign for Deficiency of aromatic-L-amino-acid decarboxylase. Last evaluated: 2024-08-14. Review status: criteria provided, single submitter. Criteria: Invitae Variant Classification Sherloc (09022015). Collection method: clinical testing. Allele origin: germline.